The following is an entry in ClinVar:

NM_000493.4(COL10A1):c.1890del (p.Gly631fs)

Genes: COL10A1 (collagen type X alpha 1 chain; minus strand), NT5DC1 (5'-nucleotidase domain containing 1; plus strand). Cytogenetic location: 6q22.1.
Variant type: Deletion.
Coding change: c.1890del on transcript NM_000493.4 (MANE Select); coding-DNA position 1890, one base deleted (A; older notation c.1890delA).
Protein change: p.Gly631fs; shifts the reading frame from glycine 631.
Molecular consequence: frameshift variant. On other transcripts: intron variant (1).
Genome position (GRCh38, 1-based): chr6:116,120,226, T deleted on the plus strand (A on the coding strand, the reverse complement: COL10A1 is on the minus strand); the first of 3 consecutive T bases (chr6:116,120,226-116,120,228); deleting any one gives the same sequence. VCF-style (leftmost placement, unchanged base first): chr6-116120225-CT-C. GRCh37 (hg19) VCF-style: chr6-116441388-CT-C.
Other names: c.1890del, p.Gly631fs (NM_001424106.1, NM_001424107.1); c.529+2283del (NM_152729.3); short protein forms G631fs.
Identifiers: ClinVar variation 1511931 (VCV001511931.8), dbSNP rs2114277507, ClinGen allele CA2573140416.
Genomic context (GRCh38, chr6:116,120,225, plus strand): 5'-ACACCTGGTCATTTTCTGTGAGATCGATGATGGCACTCCCTGAAGCCTGATCCAGGTAGC[CT>C]TTGGTGTATTCATCATAGGTGTACATTACAGGGGTGCCATTCTTATACAGGCCTACCCAA-3'

ClinVar aggregate classification (germline): Likely pathogenic (1 of 4 stars; one submission).

Submission:

Labcorp Genetics (formerly Invitae), Labcorp
Classification: Likely pathogenic. Last evaluated: 2023-12-19. Review status: criteria provided, single submitter. Criteria: Invitae Variant Classification Sherloc (09022015). Collection method: clinical testing. Allele origin: germline.
Comment: This sequence change creates a premature translational stop signal (p.Gly631Alafs*46) in the COL10A1 gene. While this is not anticipated to result in nonsense mediated decay, it is expected to disrupt the last 50 amino acid(s) of the COL10A1 protein. This variant is not present in population databases (gnomAD no frequency). This premature translational stop signal has been observed in individual(s) with clinical features of autosomal dominant metaphyseal dysplasia, Schmid type (Invitae). ClinVar contains an entry for this variant (Variation ID: 1511931). This variant is located in a region of the COL10A1 protein where a significant number of COL10A1 nonsense and frameshift mutations have been reported in association with autosomal dominant metaphyseal chondrodysplasia (PMID: 21447328, 33764685, 36400164). In summary, the currently available evidence indicates that the variant is pathogenic, but additional data are needed to prove that conclusively. Therefore, this variant has been classified as Likely Pathogenic.

Literature cited by the submitters: PubMed 21447328; PubMed 33764685; PubMed 36400164.